The following is an entry in ClinVar:

NM_001278716.2(FBXL4):c.1411G>A (p.Ala471Thr)

Gene: FBXL4 (F-box and leucine rich repeat protein 4; minus strand). Cytogenetic location: 6q16.1.
Variant type: single nucleotide variant.
Coding change: c.1411G>A on transcript NM_001278716.2 (MANE Select); coding-DNA position 1411, G replaced by A.
Protein change: p.Ala471Thr; replaces alanine 471 with threonine.
Molecular consequence: missense variant. On other transcripts: non-coding transcript variant (1).
Genome position (GRCh38, 1-based): chr6:98,875,706, C>T on the plus strand (G>A on the coding strand, the complement: FBXL4 is on the minus strand). VCF-style: chr6-98875706-C-T. GRCh37 (hg19) VCF-style: chr6-99323582-C-T.
Other names: c.1411G>A, p.Ala471Thr (NM_012160.5); short protein forms A471T.
Identifiers: ClinVar variation 437478 (VCV000437478.1), dbSNP rs1227524799, ClinGen allele CA16021080.

ClinVar aggregate classification (germline): Likely pathogenic (1 of 4 stars; one submission).

Conditions:
Mitochondrial DNA depletion syndrome 13. Also called: FBXL4-Related Encephalomyopathic Mitochondrial DNA Depletion Syndrome; Mitochondrial DNA depletion syndrome 13 (encephalomyopathic type). Identifiers: Orphanet 369897, MedGen C3809592, MONDO:0014198, OMIM 615471.

Allele frequency attached by ClinVar (database versions not stated): gnomAD exomes below 0.00001.
gnomAD v4.1: 4 of 1,613,644 alleles (0.00025%); highest among the groups gnomAD compares: Non-Finnish European, 0.00034%; no homozygotes.

Submission:

Wong Mito Lab, Molecular and Human Genetics, Baylor College of Medicine
Classification: Likely pathogenic for Mitochondrial DNA depletion syndrome 13. Last evaluated: 2017-08-10. Review status: criteria provided, single submitter. Criteria: ACMG Guidelines, 2015. Collection method: clinical testing. Allele origin: germline. Affected: yes.
Comment: The NM_012160.4:c.1411G>A (NP_036292.2:p.Ala471Thr) [GRCH38: NC_000006.12:g.98875706C>T] variant in FBXL4 gene is interpretated to be a Likely Pathogenic based on ACMG guidelines (PMID: 25741868). This variant has been reported in PMID:27858371 . This variant meets one or more of the following evidence codes reported in the ACMG-guideline. PM2:This variant is absent in key population databases. PM3:Detected in trans with a pathogenic variant for Mitochondrial DNA depletion syndrome 13 which is a recessive disorder. PP1:This variant is co-segregated with Mitochondrial DNA depletion syndrome 13 in multiple affected family members. PP2:This is a missense variant in FBXL4 with a low rate of benign and high rate of pathogenic missense variations. PP4:Patientâ€™s phenotype or family history is highly specific for FBXL4. PP5:Reputable source(s) suggest that the variant is pathogenic. Based on this evidence code ClinGen Pathogenicity Calculator (PMID:28081714) suggested that the variant is Likely Pathogenic.

Literature cited by the submitters: PubMed 27858371.